The following is an entry in ClinVar:

ClinVar aggregate classification (germline): Uncertain significance (1 of 4 stars; one submission).

Conditions:
Familial thoracic aortic aneurysm and aortic dissection (TAAD). Also called: Thoracic aortic aneurysms and dissections. Identifiers: Orphanet 91387, MedGen C4707243, MONDO:0019625.

gnomAD v4.1: 4 of 1,614,008 alleles (0.00025%); highest among the groups gnomAD compares: Non-Finnish European, 0.00034%; no homozygotes.

Submission:

Ambry Genetics
Classification: Uncertain significance for Familial thoracic aortic aneurysm and aortic dissection. Last evaluated: 2025-06-09. Review status: criteria provided, single submitter. Criteria: Ambry Variant Classification Scheme 2023. Collection method: clinical testing. Allele origin: germline.
Comment: The p.A99V variant (also known as c.296C>T), located in coding exon 3 of the ACTA2 gene, results from a C to T substitution at nucleotide position 296. The alanine at codon 99 is replaced by valine, an amino acid with similar properties. This amino acid position is conserved. In addition, this alteration is predicted to be deleterious by in silico analysis. Based on the available evidence, the clinical significance of this variant remains unclear.

NM_001613.4(ACTA2):c.296C>T (p.Ala99Val)

Gene: ACTA2 (actin alpha 2, smooth muscle; minus strand). Cytogenetic location: 10q23.31.
Variant type: single nucleotide variant.
Coding change: c.296C>T on transcript NM_001613.4 (MANE Select); coding-DNA position 296, C replaced by T.
Protein change: p.Ala99Val; replaces alanine 99 with valine.
Molecular consequence: missense variant. On other transcripts: intron variant (1).
Genome position (GRCh38, 1-based): chr10:88,943,870, G>A on the plus strand (C>T on the coding strand, the complement: ACTA2 is on the minus strand). VCF-style: chr10-88943870-G-A. GRCh37 (hg19) VCF-style: chr10-90703627-G-A.
Other names: c.296C>T, p.Ala99Val (NM_001141945.3, NM_001320855.2, NM_001406462.1 and 3 more transcripts); c.167C>T, p.Ala56Val (NM_001406467.1, NM_001406468.1, NM_001406469.1); c.259-2001C>T (NM_001406466.1); short protein forms A56V, A99V.
Identifiers: ClinVar variation 4001476 (VCV004001476.1).
Genomic context (GRCh38, chr10:88,943,870, plus strand): 5'-TCCCGGTTGGCCTTGGGGTTCAGGGGTGCCTCCGTGAGCAGGGTGGGATGCTCTTCAGGG[G>A]CAACACGAAGCTCATTGTAGAAAGAGTGGTGCCAGATCTAGTGAGTTGGGGGACAGAGGA-3'
Protein context (NP_001604.1, residues 89-109): HHSFYNELRV[Ala99Val]PEEHPTLLTE